The following is an entry in ClinVar:

ClinVar aggregate classification (germline): Conflicting classifications of pathogenicity. Review status: criteria provided, conflicting classifications (1 of 4 stars). 5 submissions from 5 submitters: Uncertain significance (4); Likely benign (1). Last evaluated 2026-06-04.

Conditions:
Hereditary cancer-predisposing syndrome. Also called: Tumor predisposition; Hereditary neoplastic syndrome; Neoplastic Syndromes, Hereditary; Hereditary Cancer Syndrome. Identifiers: Orphanet 140162, MedGen C0027672, MeSH D009386, MONDO:0015356.
Tuberous sclerosis syndrome (TSC). Also called: Tuberous Sclerosis Complex; Tuberous sclerosis. Identifiers: Orphanet 805, MedGen C0041341, MONDO:0001734.
Isolated focal cortical dysplasia type II (FCORD2). Also called: Focal cortical dysplasia type II; CORTICAL DYSPLASIA OF TAYLOR. Identifiers: Orphanet 268994, MedGen C1846385, MONDO:0011818, OMIM 607341, HP:0032051.
Tuberous sclerosis 2 (TSC2). Identifiers: Orphanet 805, MedGen C1860707, MONDO:0013199, OMIM 613254.

Allele frequency attached by ClinVar (database versions not stated): gnomAD exomes 0.00001.
gnomAD v4.1: 17 of 1,612,776 alleles (0.0011%); highest among the groups gnomAD compares: African/African-American, 0.0013%; no homozygotes.

Submissions (5):

Ambry Genetics
Classification: Uncertain significance for Hereditary cancer-predisposing syndrome. Last evaluated: 2026-06-04. Review status: criteria provided, single submitter. Criteria: Ambry Variant Classification Scheme 2023. Collection method: clinical testing. Allele origin: germline.
Comment: The p.S1568C variant (also known as c.4703C>G), located in coding exon 36 of the TSC2 gene, results from a C to G substitution at nucleotide position 4703. The serine at codon 1568 is replaced by cysteine, an amino acid with dissimilar properties. This variant was detected as heterozygous in individuals with no reported features of Tuberous sclerosis complex (Ambry internal data). One functional paper assessing variants in the TSC2 GAP domain suggests this variant leads to a partial reduction of TSC complex activity, however it is not sufficient to cause disease (Hansmann P et al. Structure, 2020 Aug;28:933-942.e4). This amino acid position is highly conserved in available vertebrate species. In addition, this alteration is predicted to be deleterious by in silico analysis. Based on the available evidence, the clinical significance of this variant remains unclear.

Labcorp Genetics (formerly Invitae), Labcorp
Classification: Likely benign for Tuberous sclerosis 2. Last evaluated: 2025-08-07. Review status: criteria provided, single submitter. Criteria: Invitae Variant Classification Sherloc (09022015). Collection method: clinical testing. Allele origin: germline.

Color Diagnostics, LLC DBA Color Health
Classification: Uncertain significance for Tuberous sclerosis syndrome. Last evaluated: 2025-06-12. Review status: criteria provided, single submitter. Criteria: ACMG Guidelines, 2015. Collection method: clinical testing. Allele origin: germline.
Comment: This missense variant replaces serine with cysteine at codon 1568 of the TSC2 protein. Computational prediction suggests that this variant may have deleterious impact on protein structure and function. To our knowledge, functional studies have not been reported for this variant. This variant has been reported in an individual affected with premature ovarian insufficiency (PMID: 36229297). This variant has not been identified in the general population by the Genome Aggregation Database (gnomAD). The available evidence is insufficient to determine the role of this variant in disease conclusively. Therefore, this variant is classified as a Variant of Uncertain Significance.

Baylor Genetics
Classification: Uncertain significance for Isolated focal cortical dysplasia type II. Last evaluated: 2023-11-02. Review status: criteria provided, single submitter. Criteria: ACMG Guidelines, 2015. Collection method: clinical testing. Allele origin: unknown.

Genome-Nilou Lab
Classification: Uncertain significance for Tuberous sclerosis 2. Last evaluated: 2021-11-07. Review status: criteria provided, single submitter. Criteria: ACMG Guidelines, 2015. Collection method: clinical testing. Allele origin: germline. Affected: no.

Literature cited by the submitters: PubMed 32502382 (cited by Ambry Genetics); PubMed 36229297 (cited by Color Diagnostics, LLC DBA Color Health).

NM_000548.5(TSC2):c.4703C>G (p.Ser1568Cys)

Gene: TSC2 (TSC complex subunit 2; plus strand). Cytogenetic location: 16p13.3.
Variant type: single nucleotide variant.
Coding change: c.4703C>G on transcript NM_000548.5 (MANE Select); coding-DNA position 4703, C replaced by G.
Protein change: p.Ser1568Cys; replaces serine 1568 with cysteine.
Molecular consequence: missense variant.
Genome position (GRCh38, 1-based): chr16:2,086,233, C>G. VCF-style: chr16-2086233-C-G. GRCh37 (hg19) VCF-style: chr16-2136234-C-G.
Other names: c.4502C>G, p.Ser1501Cys (NM_001077183.3); c.4634C>G, p.Ser1545Cys (NM_001114382.3); c.4394C>G, p.Ser1465Cys (NM_001318827.2); c.4358C>G, p.Ser1453Cys (NM_001318829.2); c.3971C>G, p.Ser1324Cys (NM_001318831.2); c.4535C>G, p.Ser1512Cys (NM_001318832.2); c.4505C>G, p.Ser1502Cys (NM_001363528.2); c.4571C>G, p.Ser1524Cys (NM_001370404.1); and 1 more; short protein forms S1568C, S1324C, S1512C, S1545C, S1465C, S1502C, S1453C, S1525C.
Identifiers: ClinVar variation 468108 (VCV000468108.20), dbSNP rs1555516036, ClinGen allele CA394307306.
Genomic context (GRCh38, chr16:2,086,233, plus strand): 5'-CCTCTCCCCTCTCCCCACAGAGCAACAGCGAGCTCGCCATCCTGTCCAATGAGCATGGCT[C>G]CTACAGGTACACGGAGTTCCTGACGGGCCTGGGCCGGCTCATCGAGCTGAAGGACTGCCA-3'
Protein context (NP_000539.2, residues 1558-1578): ELAILSNEHG[Ser1568Cys]YRYTEFLTGL